The following is an entry in ClinVar:

ClinVar aggregate classification (germline): Uncertain significance (1 of 4 stars; one submission).

gnomAD v4.1: 3 of 1,611,458 alleles (0.00019%); highest among the groups gnomAD compares: African/African-American, 0.0027%; no homozygotes.

Submission:

Ambry Genetics
Classification: Uncertain significance. Last evaluated: 2024-11-23. Review status: criteria provided, single submitter. Criteria: Ambry Variant Classification Scheme 2023. Collection method: clinical testing. Allele origin: germline.
Comment: The p.P865T variant (also known as c.2593C>A), located in coding exon 11 of the WNK2 gene, results from a C to A substitution at nucleotide position 2593. The proline at codon 865 is replaced by threonine, an amino acid with highly similar properties. This amino acid position is conserved. In addition, this alteration is predicted to be tolerated by in silico analysis. Based on the available evidence, the clinical significance of this variant remains unclear.

NM_006648.4(WNK2):c.2593C>A (p.Pro865Thr)

Gene: WNK2 (WNK lysine deficient protein kinase 2; plus strand). Cytogenetic location: 9q22.31.
Variant type: single nucleotide variant.
Coding change: c.2593C>A on transcript NM_006648.4 (MANE Select); coding-DNA position 2593, C replaced by A.
Protein change: p.Pro865Thr; replaces proline 865 with threonine.
Molecular consequence: missense variant.
Genome position (GRCh38, 1-based): chr9:93,259,141, C>A. VCF-style: chr9-93259141-C-A. GRCh37 (hg19) VCF-style: chr9-96021423-C-A.
Other names: c.2593C>A, p.Pro865Thr (NM_001282394.3); short protein forms P865T.
Identifiers: ClinVar variation 3470351 (VCV003470351.1).